The following is an entry in ClinVar:

NM_006516.4(SLC2A1):c.1077_1083del (p.Glu359fs)

Gene: SLC2A1 (solute carrier family 2 member 1; minus strand). Cytogenetic location: 1p34.2.
Variant type: Deletion.
Coding change: c.1077_1083del on transcript NM_006516.4 (MANE Select); coding-DNA positions 1077 to 1083, 7 bases deleted (GCAGCTA; older notation c.1077_1083delGCAGCTA).
Protein change: p.Glu359fs; shifts the reading frame from glutamic acid 359.
Molecular consequence: frameshift variant.
Genome position (GRCh38, 1-based): chr1:42,927,800-42,927,806, TAGCTGC deleted on the plus strand (GCAGCTA on the coding strand, the reverse complement: SLC2A1 is on the minus strand); deleting any 7 consecutive bases within chr1:42,927,800-42,927,807 gives the same sequence; the c. name uses the placement nearest the transcript's 3' end. VCF-style (leftmost placement, unchanged base first): chr1-42927799-GTAGCTGC-G. GRCh37 (hg19) VCF-style: chr1-43393470-GTAGCTGC-G.
Other names: short protein forms E359fs.
Identifiers: ClinVar variation 817772 (VCV000817772.1), dbSNP rs1570591037, ClinGen allele CA915941226.

ClinVar aggregate classification (germline): Pathogenic (1 of 4 stars; one submission).

Submission:

GeneDx
Classification: Pathogenic. Last evaluated: 2018-08-15. Review status: criteria provided, single submitter. Criteria: GeneDx Variant Classification (06012015). Collection method: clinical testing. Allele origin: germline. Affected: yes.
Comment: The c.1077_1083delGCAGCTA pathogenic variant in the SLC2A1 gene has not been reported previously as a pathogenic variant, nor as a benign variant, to our knowledge. The c.1077_1083delGCAGCTA variant causes a frameshift starting with codon Glutamic acid 359, changes this amino acid to a Aspartic acid residue, and creates a premature Stop codon at position 7 of the new reading frame, denoted p.Glu359AspfsX7. This variant is predicted to cause loss of normal protein function either through protein truncation or nonsense-mediated mRNA decay. The c.1077_1083delGCAGCTA variant is not observed in large population cohorts (Lek et al., 2016). We interpret c.1077_1083delGCAGCTA as a pathogenic variant.